The following is an entry in ClinVar:

NM_000797.4(DRD4):c.869_870insTGG (p.Gly291_Pro292insGly)

Gene: DRD4 (dopamine receptor D4; plus strand). Cytogenetic location: 11p15.5.
Variant type: Duplication.
Coding change: c.869_870insTGG on transcript NM_000797.4 (MANE Select); coding-DNA positions 869 to 870, TGG inserted.
Protein change: p.Gly291_Pro292insGly.
Molecular consequence: inframe insertion.
Genome position: GRCh38 VCF-style: chr11-640117-T-TGTG. GRCh37 (hg19) VCF-style: chr11-640117-T-TGTG.
Identifiers: ClinVar variation 2585465 (VCV002585465.1), dbSNP rs1360339521, ClinGen allele CA597020780.

ClinVar aggregate classification (germline): Uncertain significance (1 of 4 stars; one submission).

Conditions:
Hereditary attention deficit-hyperactivity disorder. Also called: HYPERACTIVITY OF CHILDHOOD. Identifiers: MedGen CN324066, MONDO:0100518, OMIM 143465.

Submission:

Neuberg Centre For Genomic Medicine, NCGM
Classification: Uncertain significance for Hereditary attention deficit-hyperactivity disorder. Review status: criteria provided, single submitter. Criteria: ACMG Guidelines, 2015. Collection method: clinical testing. Allele origin: germline. Inheritance: Autosomal dominant inheritance. Affected: yes.
Comment: The c.869_870insTGG (p.Gly291dup) inframe insertion variant in DRD4 gene has not been reported previously as a pathogenic variant nor as a benign variant, to our knowledge. The p.Gly291dup variant is novel (not in any individuals) in gnomAD Exomes and is novel (not in any individuals) in 1000 Genomes. This p.Gly291dup causes duplication of amino acid Glycine at postion 291. The observed variant is not in repeat region. Since this inframe insertion is not expected to cause protein truncation, the above variant has been classified as Variant of Uncertain Significance (VUS).